The following is an entry in ClinVar:

ClinVar aggregate classification (germline): Likely pathogenic (1 of 4 stars; one submission).

Conditions:
VPS13A-related neurodegenerative disease. Also called: LEVINE-CRITCHLEY SYNDROME; Choreaacanthocytosis; ACANTHOCYTOSIS WITH NEUROLOGIC DISORDER; Choreoacanthocytosis; Chorea-acanthocytosis; VPS13A Disease. Identifiers: Orphanet 2388, MedGen C0393576, MONDO:0008695, OMIM 200150.

Submission:

Natera, Inc.
Classification: Likely pathogenic for Choreaacanthocytosis. Last evaluated: 2024-06-26. Review status: criteria provided, single submitter. Criteria: Natera Variant Classification Schema (03/2026). Collection method: clinical testing. Allele origin: germline.
Comment: The c.9119_9128dupGGTTCTTCAA variant in VPS13A is a frameshift variant predicted to shift the reading frame beginning at codon 3043 and leads to a stop codon 5 codons downstream. This variant is expected to result in nonsense mediated decay, truncation, or a dysfunctional protein product. This variant is rare in the general population with a frequency below the threshold expected for the associated phenotype(s). Given the available evidence, this variant is classified as Likely Pathogenic.

NM_033305.3(VPS13A):c.9119_9128dup (p.Asn3043fs)

Gene: VPS13A (vacuolar protein sorting 13 homolog A; plus strand). Cytogenetic location: 9q21.2.
Variant type: Duplication.
Coding change: c.9119_9128dup on transcript NM_033305.3 (MANE Select); coding-DNA positions 9119 to 9128, 10 bases duplicated (GGTTCTTCAA; older notation c.9119_9128dupGGTTCTTCAA).
Protein change: p.Asn3043fs; shifts the reading frame from asparagine 3043.
Molecular consequence: frameshift variant.
Genome position (GRCh38, 1-based): chr9:77,382,017-77,382,026, GGTTCTTCAA duplicated. VCF-style (leftmost placement, unchanged base first): chr9-77382016-C-CGGTTCTTCAA. GRCh37 (hg19) VCF-style: chr9-79996932-C-CGGTTCTTCAA.
Other names: c.9002_9011dup, p.Asn3004fs (NM_001018037.2); c.9119_9128dup, p.Asn3043fs (NM_001018038.3, NM_015186.4); short protein forms N3004fs, N3043fs.
Identifiers: ClinVar variation 4816435 (VCV004816435.1).